The following is an entry in ClinVar:

ClinVar aggregate classification (germline): Pathogenic (1 of 4 stars; one submission).

Submission:

GeneDx
Classification: Pathogenic. Last evaluated: 2016-04-26. Review status: criteria provided, single submitter. Criteria: GeneDx Variant Classification (06012015). Collection method: clinical testing. Allele origin: germline. Affected: yes.
Comment: The c.3108dupA pathogenic variant in the BCOR gene has not been reported previously as a pathogenic variant nor as a benign variant, to our knowledge. The c.3108dupA variant causes a frameshift starting with codon Alanine 1037, changes this amino acid to a Serine residue, and creates a premature Stop codon at position 42 of the new reading frame, denoted p.Ala1037SerfsX42. This variant is predicted to cause loss of normal protein function either through protein truncation or nonsense-mediated mRNA decay. The c.3108dupA variant was not observed in approximately 6500 individuals of European and African American ancestry in the NHLBI Exome Sequencing Project, indicating it is not a common benign variant in these populations. We interpret c.3108dupA as a pathogenic variant.

NM_001123385.2(BCOR):c.3108dup (p.Ala1037fs)

Gene: BCOR (BCL6 corepressor; minus strand). Cytogenetic location: Xp11.4.
Variant type: Duplication.
Coding change: c.3108dup on transcript NM_001123385.2 (MANE Select); coding-DNA position 3108, one base duplicated (A; older notation c.3108dupA).
Protein change: p.Ala1037fs; shifts the reading frame from alanine 1037.
Molecular consequence: frameshift variant.
Genome position (GRCh38, 1-based): chrX:40,071,103, T duplicated on the plus strand (A on the coding strand, the reverse complement: BCOR is on the minus strand). VCF-style (leftmost placement, unchanged base first): chrX-40071102-C-CT. GRCh37 (hg19) VCF-style: chrX-39930355-C-CT.
Other names: c.3108dup, p.Ala1037Serfs (NM_001123383.2); c.3054dup, p.Ala1019fs (NM_001123384.2); c.3108dup, p.Ala1037fs (NM_017745.6); short protein forms A1037fs, A1019fs.
Identifiers: ClinVar variation 280538 (VCV000280538.2), dbSNP rs886041725, ClinGen allele CA10603482.